The following is an entry in ClinVar:

NM_025074.7(FRAS1):c.5069A>G (p.Asp1690Gly)

Gene: FRAS1 (Fraser extracellular matrix complex subunit 1; plus strand). Cytogenetic location: 4q21.21.
Variant type: single nucleotide variant.
Coding change: c.5069A>G on transcript NM_025074.7 (MANE Select); coding-DNA position 5069, A replaced by G.
Protein change: p.Asp1690Gly; replaces aspartic acid 1690 with glycine.
Molecular consequence: missense variant.
Genome position (GRCh38, 1-based): chr4:78,432,456, A>G. VCF-style: chr4-78432456-A-G. GRCh37 (hg19) VCF-style: chr4-79353610-A-G.
Other names: c.5069A>G, p.Asp1690Gly (NM_001166133.2); short protein forms D1690G.
Identifiers: ClinVar variation 2627963 (VCV002627963.1), dbSNP rs2477158913, ClinGen allele CA357386265.

ClinVar aggregate classification (germline): Uncertain significance (1 of 4 stars; one submission).

Conditions:
Fraser syndrome 1 (FRASRS1). Also called: CRYPTOPHTHALMOS WITH OTHER MALFORMATIONS. Identifiers: Orphanet 2052, MedGen C4551480, MONDO:0054737, OMIM 219000.

Allele frequency attached by ClinVar (database versions not stated): gnomAD exomes below 0.00001.
gnomAD v4.1: 5 of 1,613,348 alleles (0.00031%); highest among the groups gnomAD compares: Non-Finnish European, 0.00042%; no homozygotes.

Submission:

Neuberg Centre For Genomic Medicine, NCGM
Classification: Uncertain significance for Fraser syndrome 1. Review status: criteria provided, single submitter. Criteria: ACMG Guidelines, 2015. Collection method: clinical testing. Allele origin: germline. Inheritance: Autosomal recessive inheritance. Affected: yes.
Comment: The missense variant c.5069A>G (p.Asp1690Gly) in FRAS1 gene has not been reported previously as a pathogenic variant nor as a benign variant, to our knowledge. The p.Asp1690Gly variant is novel (not in any individuals) in gnomAD Exomes and 1000 Genomes. The amino acid Asp at position 1690 is changed to a Gly changing protein sequence and it might alter its composition and physicochemical properties. The amino acid change p.Asp1690Gly in FRAS1 is predicted as conserved by GERP++ and PhyloP across 100 vertebrates. For these reasons, this variant has been classified as Uncertain Significance.